The following is an entry in ClinVar:

NM_018897.3(DNAH7):c.7470T>A (p.Pro2490=)

Gene: DNAH7 (dynein axonemal heavy chain 7; minus strand). Cytogenetic location: 2q32.3.
Variant type: single nucleotide variant.
Coding change: c.7470T>A on transcript NM_018897.3 (MANE Select); coding-DNA position 7470, T replaced by A.
Protein change: p.Pro2490=; no amino-acid change (proline 2490 retained).
Molecular consequence: synonymous variant.
Genome position (GRCh38, 1-based): chr2:195,864,185, A>T on the plus strand (T>A on the coding strand, the complement: DNAH7 is on the minus strand). VCF-style: chr2-195864185-A-T. GRCh37 (hg19) VCF-style: chr2-196728909-A-T.
Identifiers: ClinVar variation 3351729 (VCV003351729.1).
Genomic context (GRCh38, chr2:195,864,185, plus strand): 5'-TATCTAAAATGTACATGACAATACCTGAAACCAGTCAATGGTACAGCAGTTAACAAGAGC[A>T]GGGAACTTTCTAAGACGATTCCGAAATGCATCTCCAATGGGACTCATGGCAAGGACCACA-3'
Protein context (NP_061720.2, residues 2480-2500): DAFRNRLRKF[Pro2490=]ALVNCCTIDW

ClinVar aggregate classification (germline): Likely benign (0 of 4 stars; one submission).

Conditions:
DNAH7-related disorder. Also called: DNAH7-related condition.

Submission:

PreventionGenetics, part of Exact Sciences
Classification: Likely benign for DNAH7-related condition. Last evaluated: 2024-03-11. Review status: no assertion criteria provided. Collection method: clinical testing. Allele origin: germline.
Comment: This variant is classified as likely benign based on ACMG/AMP sequence variant interpretation guidelines (Richards et al. 2015 PMID: 25741868, with internal and published modifications).